The following is an entry in ClinVar:

ClinVar aggregate classification (germline): Likely pathogenic. Review status: criteria provided, single submitter (1 of 4 stars). 2 submissions from 2 submitters: Likely pathogenic (1). 1 of the submissions does not count toward it. Last evaluated 2025-12-05.

Conditions:
Maple syrup urine disease type 1A (MSUD1A). Also called: MSUD type 1A. Identifiers: MedGen C1855369, MONDO:0023691, OMIM 248600.

Submissions (2):

Natera, Inc.
Classification: Likely pathogenic for Maple syrup urine disease type 1A. Last evaluated: 2025-12-05. Review status: criteria provided, single submitter. Criteria: Natera Variant Classification Schema (03/2026). Collection method: clinical testing. Allele origin: germline.
Comment: The c.562G>T variant in BCKDHA is a missense variant predicted to cause substitution of glycine to tryptophan at amino acid 188. This variant is rare in the general population with a frequency below the threshold expected for the associated phenotype(s). This variant has been observed in one or more individuals affected with the associated recessive disease, as either homozygous or compound heterozygous with a second variant (PMID: 22727569, 31119508). This variant has been identified in one or more affected individual with a phenotype highly consistent with the associated gene (PMID: 32193832). Computational prediction algorithms indicate this variant is likely to affect gene or protein function. Given the available evidence, this variant is classified as Likely Pathogenic.

Counsyl
Classification: Uncertain significance for Maple syrup urine disease type 1A. Last evaluated: 2017-03-15. Review status: no assertion criteria provided. Collection method: clinical testing. Allele origin: unknown. Not counted in ClinVar's aggregate classification.

Literature cited by the submitters: PubMed 22727569 (cited by Natera, Inc. and Counsyl); PubMed 31119508 (cited by Natera, Inc.); PubMed 32193832 (cited by Natera, Inc.).

NM_000709.4(BCKDHA):c.562G>T (p.Gly188Trp)

Gene: BCKDHA (branched chain keto acid dehydrogenase E1 subunit alpha; plus strand). Cytogenetic location: 19q13.2.
Variant type: single nucleotide variant.
Coding change: c.562G>T on transcript NM_000709.4 (MANE Select); coding-DNA position 562, G replaced by T.
Protein change: p.Gly188Trp; replaces glycine 188 with tryptophan.
Molecular consequence: missense variant.
Genome position (GRCh38, 1-based): chr19:41,419,212, G>T. VCF-style: chr19-41419212-G-T. GRCh37 (hg19) VCF-style: chr19-41925117-G-T.
Other names: c.562G>T, p.Gly188Trp (NM_001164783.2); short protein forms G188W.
Identifiers: ClinVar variation 551071 (VCV000551071.3), dbSNP rs1555766625, ClinGen allele CA406010921.